The following is an entry in ClinVar:

ClinVar aggregate classification (germline): Uncertain significance. Review status: criteria provided, multiple submitters, no conflicts (2 of 4 stars). 2 submissions from 2 submitters: Uncertain significance (2). Last evaluated 2024-09-12.

Conditions:
Inborn genetic diseases. Identifiers: MedGen C0950123, MeSH D030342.

Allele frequency attached by ClinVar (database versions not stated): ExAC 0.00001; gnomAD 0.00001; gnomAD exomes 0.00001; TOPMed 0.00002.
gnomAD v4.1: 11 of 1,614,000 alleles (0.00068%); highest among the groups gnomAD compares: Middle Eastern, 0.016%; no homozygotes.

Submissions (2):

Ambry Genetics
Classification: Uncertain significance for Inborn genetic diseases. Last evaluated: 2024-09-12. Review status: criteria provided, single submitter. Criteria: Ambry Variant Classification Scheme 2023. Collection method: clinical testing. Allele origin: germline.

Labcorp Genetics (formerly Invitae), Labcorp
Classification: Uncertain significance. Last evaluated: 2022-08-09. Review status: criteria provided, single submitter. Criteria: Invitae Variant Classification Sherloc (09022015). Collection method: clinical testing. Allele origin: germline.
Comment: This sequence change replaces alanine, which is neutral and non-polar, with threonine, which is neutral and polar, at codon 279 of the STX3 protein (p.Ala279Thr). This variant is present in population databases (rs751048742, gnomAD 0.002%). This variant has not been reported in the literature in individuals affected with STX3-related conditions. Algorithms developed to predict the effect of missense changes on protein structure and function (SIFT, PolyPhen-2, Align-GVGD) all suggest that this variant is likely to be tolerated. In summary, the available evidence is currently insufficient to determine the role of this variant in disease. Therefore, it has been classified as a Variant of Uncertain Significance.

NM_004177.5(STX3):c.835G>A (p.Ala279Thr)

Gene: STX3 (syntaxin 3; plus strand). Cytogenetic location: 11q12.1.
Variant type: single nucleotide variant.
Coding change: c.835G>A on transcript NM_004177.5 (MANE Select); coding-DNA position 835, G replaced by A.
Protein change: p.Ala279Thr; replaces alanine 279 with threonine.
Molecular consequence: missense variant. On other transcripts: intron variant (4).
Genome position (GRCh38, 1-based): chr11:59,797,331, G>A. VCF-style: chr11-59797331-G-A. GRCh37 (hg19) VCF-style: chr11-59564804-G-A.
Other names: c.835G>A, p.Ala279Thr (NM_001440522.1, NM_001440523.1, NM_001440524.1 and 1 more transcripts); c.829G>A, p.Ala277Thr (NM_001440528.1); c.814G>A, p.Ala272Thr (NM_001440530.1); c.724G>A, p.Ala242Thr (NM_001440531.1); c.786+1849G>A (NM_001440526.1, NM_001178040.3); c.786+1619G>A (NM_001440529.1, NM_001440527.1); short protein forms A279T, A242T, A272T, A277T.
Identifiers: ClinVar variation 1935537 (VCV001935537.3), dbSNP rs751048742, ClinGen allele CA6021038.